The following is an entry in ClinVar:

NM_001290321.3(DMXL1):c.2524del (p.Glu843fs)

Gene: DMXL1 (Dmx like 1; plus strand). Cytogenetic location: 5q23.1.
Variant type: Deletion.
Coding change: c.2524del on transcript NM_001290321.3 (MANE Select); coding-DNA position 2524, one base deleted (C; older notation c.2524delC).
Protein change: p.Glu843fs; shifts the reading frame from glutamic acid 843.
Molecular consequence: frameshift variant. On other transcripts: non-coding transcript variant (3).
Genome position (GRCh38, 1-based): chr5:119,144,593, C deleted; the last of 2 consecutive C bases (chr5:119,144,592-119,144,593); deleting either gives the same sequence. VCF-style (leftmost placement, unchanged base first): chr5-119144591-AC-A. GRCh37 (hg19) VCF-style: chr5-118480286-AC-A.
Other names: c.2524del, p.Glu843fs (NM_001349239.2, NM_001349240.2, NM_001387933.1 and 2 more transcripts); c.1819del, p.Glu608fs (NM_001387937.1); c.1879del, p.Glu628fs (NM_001387938.1); short protein forms E628fs, E843fs, E608fs.
Identifiers: ClinVar variation 4999631 (VCV004999631.1).

ClinVar aggregate classification (germline): Uncertain significance (1 of 4 stars; one submission).

Conditions:
DMXL1-related disorder. Also called: DMXL1-related condition.

Submission:

PreventionGenetics, part of Exact Sciences
Classification: Uncertain significance for DMXL1-related condition. Last evaluated: 2024-11-06. Review status: criteria provided, single submitter. Criteria: ACMG Guidelines, 2015. Collection method: clinical testing. Allele origin: germline.
Comment: The DMXL1 c.2524delC variant is predicted to result in a frameshift and premature protein termination (p.Glu843Argfs*27). To our knowledge, this variant has not been reported in the literature or in a large population database (gnomAD), indicating this variant is rare. At this time, the clinical significance of this variant is uncertain due to the absence of conclusive functional and genetic evidence.